The following is an entry in ClinVar:

NM_001346249.2(RALGAPA1):c.2307G>A (p.Ser769=)

Gene: RALGAPA1 (Ral GTPase activating protein catalytic subunit alpha 1; minus strand). Cytogenetic location: 14q13.2.
Variant type: single nucleotide variant.
Coding change: c.2307G>A on transcript NM_001346249.2 (MANE Select); coding-DNA position 2307, G replaced by A.
Protein change: p.Ser769=; no amino-acid change (serine 769 retained).
Molecular consequence: synonymous variant. On other transcripts: intron variant (7).
Genome position (GRCh38, 1-based): chr14:35,700,262, C>T on the plus strand (G>A on the coding strand, the complement: RALGAPA1 is on the minus strand). VCF-style: chr14-35700262-C-T. GRCh37 (hg19) VCF-style: chr14-36169468-C-T.
Other names: c.2307G>A, p.Ser769= (NM_001283044.3, NM_001346245.2, NM_001346247.2); c.2267-10259G>A (NM_194301.4, NM_001346246.2, NM_014990.3 and 4 more transcripts).
Identifiers: ClinVar variation 3054746 (VCV003054746.2), dbSNP rs187397299, ClinGen allele CA259295009.

ClinVar aggregate classification (germline): Likely benign (0 of 4 stars; one submission).

Conditions:
RALGAPA1-related disorder. Also called: RALGAPA1-related condition.

Allele frequency attached by ClinVar (database versions not stated): gnomAD exomes 0.00014; TOPMed 0.00042; 1000 Genomes Project 0.00060; gnomAD 0.00026; 1000 Genomes Project 30x 0.00094.
gnomAD v4.1: 227 of 1,532,804 alleles (0.015%); highest among the groups gnomAD compares: East Asian, 0.42%; 1 homozygote.

Submission:

PreventionGenetics, part of Exact Sciences
Classification: Likely benign for RALGAPA1-related condition. Last evaluated: 2023-05-03. Review status: no assertion criteria provided. Collection method: clinical testing. Allele origin: germline.
Comment: This variant is classified as likely benign based on ACMG/AMP sequence variant interpretation guidelines (Richards et al. 2015 PMID: 25741868, with internal and published modifications).